The following is an entry in ClinVar:

ClinVar aggregate classification (germline): Uncertain significance (1 of 4 stars; one submission).

Allele frequency attached by ClinVar (database versions not stated): ExAC 0.00001; gnomAD exomes 0.00001; gnomAD 0.00003; TOPMed 0.00003; 1000 Genomes Project 0.00020; 1000 Genomes Project 30x 0.00031.
gnomAD v4.1: 59 of 1,600,850 alleles (0.0037%); highest among the groups gnomAD compares: Non-Finnish European, 0.005%; no homozygotes.

Submission:

Labcorp Genetics (formerly Invitae), Labcorp
Classification: Uncertain significance. Last evaluated: 2024-02-19. Review status: criteria provided, single submitter. Criteria: Invitae Variant Classification Sherloc (09022015). Collection method: clinical testing. Allele origin: germline.
Comment: This sequence change creates a premature translational stop signal (p.Ser124*) in the IFT57 gene. It is expected to result in an absent or disrupted protein product. However, the current clinical and genetic evidence is not sufficient to establish whether loss-of-function variants in IFT57 cause disease. This variant is present in population databases (rs114778192, gnomAD 0.003%). This variant has not been reported in the literature in individuals affected with IFT57-related conditions. ClinVar contains an entry for this variant (Variation ID: 1419450). In summary, the available evidence is currently insufficient to determine the role of this variant in disease. Therefore, it has been classified as a Variant of Uncertain Significance.

NM_018010.4(IFT57):c.371C>G (p.Ser124Ter)

Gene: IFT57 (intraflagellar transport 57; minus strand). Cytogenetic location: 3q13.13.
Variant type: single nucleotide variant.
Coding change: c.371C>G on transcript NM_018010.4 (MANE Select); coding-DNA position 371, C replaced by G.
Protein change: p.Ser124Ter; replaces serine 124 with a stop codon.
Molecular consequence: nonsense.
Genome position (GRCh38, 1-based): chr3:108,219,414, G>C on the plus strand (C>G on the coding strand, the complement: IFT57 is on the minus strand). VCF-style: chr3-108219414-G-C. GRCh37 (hg19) VCF-style: chr3-107938261-G-C.
Other names: short protein forms S124*.
Identifiers: ClinVar variation 1419450 (VCV001419450.6), dbSNP rs114778192, ClinGen allele CA2526750.